The following is an entry in ClinVar:

NM_002439.5(MSH3):c.2639del (p.Asn880fs)

Gene: MSH3 (mutS homolog 3; plus strand). Cytogenetic location: 5q14.1.
Variant type: Deletion.
Coding change: c.2639del on transcript NM_002439.5 (MANE Select); coding-DNA position 2639, one base deleted (A; older notation c.2639delA).
Protein change: p.Asn880fs; shifts the reading frame from asparagine 880.
Molecular consequence: frameshift variant.
Genome position (GRCh38, 1-based): chr5:80,792,828, A deleted; the last of 3 consecutive A bases (chr5:80,792,826-80,792,828); deleting any one gives the same sequence. VCF-style (leftmost placement, unchanged base first): chr5-80792825-CA-C. GRCh37 (hg19) VCF-style: chr5-80088644-CA-C.
Other names: short protein forms N880fs.
Identifiers: ClinVar variation 1452021 (VCV001452021.7), dbSNP rs2112026860, ClinGen allele CA2573139919.
Genomic context (GRCh38, chr5:80,792,825, plus strand): 5'-TAAAAAATGGAAGGCACCCTGTGATTGATGTGTTGCTGGGAGAACAGGATCAATATGTCC[CA>C]AATAATACAGATTTATCAGTAAGTACCTTATGCCAAAAAATAAGTCGATGATAACATCCC-3'

ClinVar aggregate classification (germline): Pathogenic. Review status: criteria provided, multiple submitters, no conflicts (2 of 4 stars). 2 submissions from 2 submitters: Pathogenic (2). Last evaluated 2024-12-05.

Conditions:
Familial adenomatous polyposis 4 (FAP4). Also called: MSH3-related attenuated familial adenomatous polyposis. Identifiers: Orphanet 480536, MedGen C4310719, MONDO:0044300, OMIM 617100.

Submissions (2):

Myriad Genetics, Inc.
Classification: Pathogenic for Familial adenomatous polyposis 4. Last evaluated: 2024-12-05. Review status: criteria provided, single submitter. Criteria: Myriad Autosomal Dominant, Autosomal Recessive and X-Linked Classification Criteria (2023). Collection method: clinical testing. Allele origin: unknown.
Comment: This variant is considered pathogenic. This variant creates a frameshift predicted to result in premature protein truncation.

Labcorp Genetics (formerly Invitae), Labcorp
Classification: Pathogenic. Last evaluated: 2024-04-03. Review status: criteria provided, single submitter. Criteria: Invitae Variant Classification Sherloc (09022015). Collection method: clinical testing. Allele origin: germline.
Comment: This sequence change creates a premature translational stop signal (p.Asn880Ilefs*12) in the MSH3 gene. It is expected to result in an absent or disrupted protein product. Loss-of-function variants in MSH3 are known to be pathogenic (PMID: 27476653, 37402566). This variant is not present in population databases (gnomAD no frequency). This variant has not been reported in the literature in individuals affected with MSH3-related conditions. ClinVar contains an entry for this variant (Variation ID: 1452021). For these reasons, this variant has been classified as Pathogenic.

Literature cited by the submitters: PubMed 27476653 (cited by Labcorp Genetics (formerly Invitae), Labcorp); PubMed 37402566 (cited by Labcorp Genetics (formerly Invitae), Labcorp).